The following is an entry in ClinVar:

ClinVar aggregate classification (germline): Uncertain significance. Review status: criteria provided, multiple submitters, no conflicts (2 of 4 stars). 2 submissions from 2 submitters: Uncertain significance (2). Last evaluated 2024-08-12.

Conditions:
Inborn genetic diseases. Identifiers: MedGen C0950123, MeSH D030342.

Allele frequency attached by ClinVar (database versions not stated): gnomAD exomes below 0.00001 and 0.00001; TOPMed below 0.00001; ExAC 0.00001.
gnomAD v4.1: 9 of 1,614,084 alleles (0.00056%); highest among the groups gnomAD compares: East Asian, 0.0022%; no homozygotes.

Submissions (2):

Ambry Genetics
Classification: Uncertain significance for Inborn genetic diseases. Last evaluated: 2024-08-12. Review status: criteria provided, single submitter. Criteria: Ambry Variant Classification Scheme 2023. Collection method: clinical testing. Allele origin: germline.

Labcorp Genetics (formerly Invitae), Labcorp
Classification: Uncertain significance. Last evaluated: 2024-05-27. Review status: criteria provided, single submitter. Criteria: Invitae Variant Classification Sherloc (09022015). Collection method: clinical testing. Allele origin: germline.
Comment: This sequence change replaces valine, which is neutral and non-polar, with isoleucine, which is neutral and non-polar, at codon 124 of the CAMK2B protein (p.Val124Ile). This variant is not present in population databases (gnomAD no frequency). This variant has not been reported in the literature in individuals affected with CAMK2B-related conditions. ClinVar contains an entry for this variant (Variation ID: 1472342). An algorithm developed to predict the effect of missense changes on protein structure and function (PolyPhen-2) suggests that this variant is likely to be disruptive. In summary, the available evidence is currently insufficient to determine the role of this variant in disease. Therefore, it has been classified as a Variant of Uncertain Significance.

NM_001220.5(CAMK2B):c.370G>A (p.Val124Ile)

Gene: CAMK2B (calcium/calmodulin dependent protein kinase II beta; minus strand). Cytogenetic location: 7p13.
Variant type: single nucleotide variant.
Coding change: c.370G>A on transcript NM_001220.5 (MANE Select); coding-DNA position 370, G replaced by A.
Protein change: p.Val124Ile; replaces valine 124 with isoleucine.
Molecular consequence: missense variant.
Genome position (GRCh38, 1-based): chr7:44,247,164, C>T on the plus strand (G>A on the coding strand, the complement: CAMK2B is on the minus strand). VCF-style: chr7-44247164-C-T. GRCh37 (hg19) VCF-style: chr7-44286763-C-T.
Other names: c.370G>A, p.Val124Ile (NM_001293170.2, NM_172078.3, NM_172079.3 and 5 more transcripts); c.370G>A (NM_001220.4); short protein forms V124I.
Identifiers: ClinVar variation 1472342 (VCV001472342.7), dbSNP rs781715401, ClinGen allele CA4240732.
Genomic context (GRCh38, chr7:44,247,164, plus strand): 5'-TGGGGTGGGGACTCACCTTGAGGTCTCTGTGGACGACCCCCATTTGGTGACAATGGAGAA[C>T]GGCCTCCAGGATCTGCTGGATACAGTGACTGTGGCAAACAGCAGGTGGGTTAGTGCGAGT-3'
Protein context (NP_001211.3, residues 114-134): SHCIQQILEA[Val124Ile]LHCHQMGVVH